The following is an entry in ClinVar:

NM_024753.5(TTC21B):c.2320A>T (p.Met774Leu)

Gene: TTC21B (tetratricopeptide repeat domain 21B; minus strand). Cytogenetic location: 2q24.3.
Variant type: single nucleotide variant.
Coding change: c.2320A>T on transcript NM_024753.5 (MANE Select); coding-DNA position 2320, A replaced by T.
Protein change: p.Met774Leu; replaces methionine 774 with leucine.
Molecular consequence: missense variant.
Genome position (GRCh38, 1-based): chr2:165,912,516, T>A on the plus strand (A>T on the coding strand, the complement: TTC21B is on the minus strand). VCF-style: chr2-165912516-T-A. GRCh37 (hg19) VCF-style: chr2-166769026-T-A.
Other names: short protein forms M774L.
Identifiers: ClinVar variation 4996088 (VCV004996088.1).

ClinVar aggregate classification (germline): Uncertain significance (1 of 4 stars; one submission).

Conditions:
TTC21B-related disorder. Also called: TTC21B-related condition; TTC21B-related disorders.

Submission:

PreventionGenetics, part of Exact Sciences
Classification: Uncertain significance for TTC21B-related condition. Last evaluated: 2026-07-17. Review status: criteria provided, single submitter. Criteria: ACMG Guidelines, 2015. Collection method: clinical testing. Allele origin: germline.
Comment: The TTC21B c.2320A>T variant is predicted to result in the amino acid substitution p.Met774Leu. To our knowledge, this variant has not been reported in the literature or in a large population database (gnomAD), indicating this variant is rare. At this time, the clinical significance of this variant is uncertain due to the absence of conclusive functional and genetic evidence.